The following is an entry in ClinVar:

NM_000542.5(SFTPB):c.826C>T (p.Arg276Trp)

Gene: SFTPB (surfactant protein B; minus strand). Cytogenetic location: 2p11.2.
Variant type: single nucleotide variant.
Coding change: c.826C>T on transcript NM_000542.5 (MANE Select); coding-DNA position 826, C replaced by T.
Protein change: p.Arg276Trp; replaces arginine 276 with tryptophan.
Molecular consequence: missense variant.
Genome position (GRCh38, 1-based): chr2:85,663,694, G>A on the plus strand (C>T on the coding strand, the complement: SFTPB is on the minus strand). VCF-style: chr2-85663694-G-A. GRCh37 (hg19) VCF-style: chr2-85890817-G-A.
Other names: c.826C>T, p.Arg276Trp (NM_001367281.2, NM_198843.4); short protein forms R276W.
Identifiers: ClinVar variation 198927 (VCV000198927.16), dbSNP rs542291993, ClinGen allele CA247833.

ClinVar aggregate classification (germline): Uncertain significance. Review status: criteria provided, multiple submitters, no conflicts (2 of 4 stars). 4 submissions from 4 submitters: Uncertain significance (4). Last evaluated 2026-02-14.

Conditions:
Hereditary pulmonary alveolar proteinosis. Also called: Pulmonary surfactant metabolism dysfunction. Identifiers: Orphanet 264675, MedGen C3711368, MONDO:0012580.
Surfactant metabolism dysfunction, pulmonary, 1. Also called: Neonatal acute respiratory distress due to SP-B deficiency; INTERSTITIAL LUNG DISEASE DUE TO SURFACTANT PROTEIN B DEFICIENCY; INTERSTITIAL LUNG DISEASE, NONSPECIFIC, DUE TO SURFACTANT PROTEIN B DEFICIENCY; PULMONARY ALVEOLAR PROTEINOSIS, CONGENITAL, 1; Pulmonary surfactant protein B, deficiency of. Identifiers: Orphanet 217563, MedGen C1968602, MONDO:0009929, OMIM 265120.

Allele frequency attached by ClinVar (database versions not stated): gnomAD 0.00003; gnomAD exomes 0.00003; TOPMed 0.00004; ExAC 0.00005; 1000 Genomes Project 30x 0.00016; 1000 Genomes Project 0.00020.
gnomAD v4.1: 23 of 1,612,670 alleles (0.0014%); highest among the groups gnomAD compares: African/African-American, 0.013%; no homozygotes.

Submissions (4):

Ambry Genetics
Classification: Uncertain significance for Hereditary pulmonary alveolar proteinosis. Last evaluated: 2026-02-14. Review status: criteria provided, single submitter. Criteria: Ambry Variant Classification Scheme 2023. Collection method: clinical testing. Allele origin: germline.
Comment: The p.R288W variant (also known as c.862C>T), located in coding exon 7 of the SFTPB gene, results from a C to T substitution at nucleotide position 862. The arginine at codon 288 is replaced by tryptophan, an amino acid with dissimilar properties. This amino acid position is conserved. In addition, the in silico prediction for this alteration is inconclusive. Based on the available evidence, the clinical significance of this variant remains unclear.

Labcorp Genetics (formerly Invitae), Labcorp
Classification: Uncertain significance. Last evaluated: 2022-11-10. Review status: criteria provided, single submitter. Criteria: Invitae Variant Classification Sherloc (09022015). Collection method: clinical testing. Allele origin: germline.
Comment: In summary, the available evidence is currently insufficient to determine the role of this variant in disease. Therefore, it has been classified as a Variant of Uncertain Significance. Advanced modeling of protein sequence and biophysical properties (such as structural, functional, and spatial information, amino acid conservation, physicochemical variation, residue mobility, and thermodynamic stability) performed at Invitae indicates that this missense variant is expected to disrupt SFTPB protein function. ClinVar contains an entry for this variant (Variation ID: 198927). This variant has not been reported in the literature in individuals affected with SFTPB-related conditions. This variant is present in population databases (rs542291993, gnomAD 0.01%). This sequence change replaces arginine, which is basic and polar, with tryptophan, which is neutral and slightly polar, at codon 288 of the SFTPB protein (p.Arg288Trp).

Illumina Laboratory Services, Illumina
Classification: Uncertain significance for Surfactant metabolism dysfunction, pulmonary, 1. Last evaluated: 2018-01-13. Review status: criteria provided, single submitter. Criteria: ICSL Variant Classification Criteria 13 December 2019. Collection method: clinical testing. Allele origin: germline.

Eurofins Ntd Llc (ga)
Classification: Uncertain significance. Last evaluated: 2015-05-08. Review status: criteria provided, single submitter. Criteria: EGL Classification Definitions 2015. Collection method: clinical testing. Allele origin: germline. Observed: 1 variant allele, 1 heterozygote.